The following is an entry in ClinVar:

NM_014489.4(PGAP2):c.799A>G (p.Met267Val)

Gene: PGAP2 (post-GPI attachment to proteins 2; plus strand). Cytogenetic location: 11p15.4.
Variant type: single nucleotide variant.
Coding change: c.799A>G on transcript NM_014489.4 (MANE Select); coding-DNA position 799, A replaced by G.
Protein change: p.Met267Val; replaces methionine 267 with valine.
Molecular consequence: missense variant. On other transcripts: non-coding transcript variant (15).
Genome position (GRCh38, 1-based): chr11:3,825,110, A>G. VCF-style: chr11-3825110-A-G. GRCh37 (hg19) VCF-style: chr11-3846340-A-G.
Other names: c.799A>G, p.Met267Val (NM_001256236.2); c.695A>G, p.His232Arg (NM_001256237.2, NM_001346404.1); c.689A>G, p.His230Arg (NM_001256238.2); c.604A>G, p.Met202Val (NM_001256239.2, NM_001346400.2, NM_001145438.3); c.616A>G, p.Met206Val (NM_001256240.2, NM_001283038.2, NM_001346398.2 and 1 more transcripts); c.539A>G, p.His180Arg (NM_001283039.2); c.359A>G, p.His120Arg (NM_001283040.1); c.769A>G, p.Met257Val (NM_001346397.2); and 5 more; short protein forms H293R, M263V, M324V, H247R, H289R, M202V, M224V, H120R.
Identifiers: ClinVar variation 1917621 (VCV001917621.5), dbSNP rs1173487235, ClinGen allele CA379190788.

ClinVar aggregate classification (germline): Uncertain significance (1 of 4 stars; one submission).

Allele frequency attached by ClinVar (database versions not stated): gnomAD exomes below 0.00001.
gnomAD v4.1: 7 of 1,614,050 alleles (0.00043%); highest among the groups gnomAD compares: Admixed American, 0.0067%; no homozygotes.

Submission:

Labcorp Genetics (formerly Invitae), Labcorp
Classification: Uncertain significance. Last evaluated: 2022-03-16. Review status: criteria provided, single submitter. Criteria: Invitae Variant Classification Sherloc (09022015). Collection method: clinical testing. Allele origin: germline.
Comment: In summary, the available evidence is currently insufficient to determine the role of this variant in disease. Therefore, it has been classified as a Variant of Uncertain Significance. This variant has not been reported in the literature in individuals affected with PGAP2-related conditions. This variant is present in population databases (no rsID available, gnomAD 0.006%). This sequence change replaces methionine, which is neutral and non-polar, with valine, which is neutral and non-polar, at codon 206 of the PGAP2 protein (p.Met206Val). Algorithms developed to predict the effect of missense changes on protein structure and function are either unavailable or do not agree on the potential impact of this missense change (SIFT: "Tolerated"; PolyPhen-2: "Possibly Damaging"; Align-GVGD: "Class C0").